The following is an entry in ClinVar:

ClinVar aggregate classification (germline): Benign. Review status: criteria provided, multiple submitters, no conflicts (2 of 4 stars). 5 submissions from 5 submitters: Benign (5). Last evaluated 2026-01-27.

Conditions:
Cataract 14 multiple types. Also called: CATARACT 14, ZONULAR PULVERULENT; CATARACT 14, NUCLEAR PULVERULENT; CATARACT 14, NUCLEAR PULVERULENT AND POSTERIOR POLAR; CATARACT 14, NUCLEAR CORALLIFORM; CATARACT 14, EMBRYONAL NUCLEAR; CATARACT 14, COPPOCK-LIKE. Identifiers: Orphanet 91492, MedGen C1866078, MONDO:0011162, OMIM 601885.

Allele frequency attached by ClinVar (database versions not stated): ESP Exome Variant Server 0.18098; TOPMed 0.19907; 1000 Genomes Project 30x 0.24969; 1000 Genomes Project 0.25439.

Submissions (5):

Labcorp Genetics (formerly Invitae), Labcorp
Classification: Benign for Cataract 14 multiple types. Last evaluated: 2026-01-27. Review status: criteria provided, single submitter. Criteria: Invitae Variant Classification Sherloc (09022015). Collection method: clinical testing. Allele origin: germline.

GeneDx
Classification: Benign. Last evaluated: 2018-05-01. Review status: criteria provided, single submitter. Criteria: GeneDx Variant Classification (06012015). Collection method: clinical testing. Allele origin: germline. Affected: yes.
Comment: This variant is considered likely benign or benign based on one or more of the following criteria: it is a conservative change, it occurs at a poorly conserved position in the protein, it is predicted to be benign by multiple in silico algorithms, and/or has population frequency not consistent with disease.

Illumina Laboratory Services, Illumina
Classification: Benign for Cataract 14 multiple types. Last evaluated: 2018-01-12. Review status: criteria provided, single submitter. Criteria: ICSL Variant Classification Criteria 13 December 2019. Collection method: clinical testing. Allele origin: germline.
Comment: This variant was observed in the ICSL laboratory as part of a predisposition screen in an ostensibly healthy population. It had not been previously curated by ICSL or reported in the Human Gene Mutation Database (HGMD: prior to June 1st, 2018), and was therefore a candidate for classification through an automated scoring system. Utilizing variant allele frequency, disease prevalence and penetrance estimates, and inheritance mode, an automated score was calculated to assess if this variant is too frequent to cause the disease. Based on the score and internal cut-off values, a variant classified as benign is not then subjected to further curation. The score for this variant resulted in a classification of benign for this disease.

Breakthrough Genomics
Classification: Benign. Review status: criteria provided, single submitter. Criteria: ACMG Guidelines, 2015. Collection method: not provided. Allele origin: germline. Inheritance: Autosomal dominant inheritance. Affected: yes.

PreventionGenetics, part of Exact Sciences
Classification: Benign. Review status: criteria provided, single submitter. Criteria: ACMG Guidelines, 2015. Collection method: clinical testing. Allele origin: germline.

NM_021954.4(GJA3):c.1017G>A (p.Ala339=)

Gene: GJA3 (gap junction protein alpha 3; minus strand). Cytogenetic location: 13q12.11.
Variant type: single nucleotide variant.
Coding change: c.1017G>A on transcript NM_021954.4 (MANE Select); coding-DNA position 1017, G replaced by A.
Protein change: p.Ala339=; no amino-acid change (alanine 339 retained).
Molecular consequence: synonymous variant.
Genome position (GRCh38, 1-based): chr13:20,142,272, C>T on the plus strand (G>A on the coding strand, the complement: GJA3 is on the minus strand). VCF-style: chr13-20142272-C-T. GRCh37 (hg19) VCF-style: chr13-20716411-C-T.
Identifiers: ClinVar variation 261457 (VCV000261457.16), dbSNP rs11617415, ClinGen allele CA6904000.